The following is an entry in ClinVar:

ClinVar aggregate classification (germline): Pathogenic/Likely pathogenic. Review status: criteria provided, multiple submitters, no conflicts (2 of 4 stars). 4 submissions from 4 submitters: Pathogenic (1); Likely pathogenic (3). Last evaluated 2025-04-23.

Conditions:
Choroideremia. Also called: Chorioretinal scalloped atrophy. Identifiers: Orphanet 180, MedGen C0008525, MONDO:0010557, OMIM 303100, HP:0001139.
CHM-related disorder. Also called: CHM-related condition.

Submissions (4):

Natera, Inc.
Classification: Likely pathogenic for Choroideremia. Last evaluated: 2025-04-23. Review status: criteria provided, single submitter. Criteria: Natera Variant Classification Schema (03/2026). Collection method: clinical testing. Allele origin: germline.
Comment: The c.49+3A>G variant in CHM is an intronic variant located outside the canonical splice sites. This variant is rare in the general population with a frequency below the threshold expected for the associated phenotype(s). This variant has been observed in affected individual(s) with monoallelic occurrence (heterozygous/hemizygous) (PMID: 27247961, 33538369). Computational prediction algorithms indicate this variant is likely to affect gene or protein function. Given the available evidence, this variant is classified as Likely Pathogenic.

PreventionGenetics, part of Exact Sciences
Classification: Likely pathogenic for CHM-related condition. Last evaluated: 2024-10-16. Review status: criteria provided, single submitter. Criteria: ACMG Guidelines, 2015. Collection method: clinical testing. Allele origin: germline.
Comment: The CHM c.49+3A>G variant is predicted to interfere with splicing. This variant has been reported in multiple families with choroideremia (Freund et al. 2016. PubMed ID: 27247961). This variant has not been reported in a large population database (gnomAD), indicating this variant is rare. This variant is interpreted as likely pathogenic.

GeneDx
Classification: Likely pathogenic. Last evaluated: 2024-03-21. Review status: criteria provided, single submitter. Criteria: GeneDx Variant Classification Process June 2021. Collection method: clinical testing. Allele origin: germline. Affected: yes.
Comment: Not observed at significant frequency in large population cohorts (gnomAD); In silico analysis supports a deleterious effect on splicing; This variant is associated with the following publications: (PMID: 27247961, 33538369)

Labcorp Genetics (formerly Invitae), Labcorp
Classification: Pathogenic. Last evaluated: 2023-12-25. Review status: criteria provided, single submitter. Criteria: Invitae Variant Classification Sherloc (09022015). Collection method: clinical testing. Allele origin: germline.
Comment: This sequence change falls in intron 1 of the CHM gene. It does not directly change the encoded amino acid sequence of the CHM protein. It affects a nucleotide within the consensus splice site. This variant is not present in population databases (gnomAD no frequency). This variant has been observed in individuals with clinical features of choroideremia (PMID: 27247961; Invitae). ClinVar contains an entry for this variant (Variation ID: 1069387). Variants that disrupt the consensus splice site are a relatively common cause of aberrant splicing (PMID: 17576681, 9536098). Algorithms developed to predict the effect of sequence changes on RNA splicing suggest that this variant is not likely to affect RNA splicing. For these reasons, this variant has been classified as Pathogenic.

Literature cited by the submitters: PubMed 27247961 (cited by Natera, Inc. and Labcorp Genetics (formerly Invitae), Labcorp); PubMed 33538369 (cited by Natera, Inc.); PubMed 17576681 (cited by Labcorp Genetics (formerly Invitae), Labcorp); PubMed 9536098 (cited by Labcorp Genetics (formerly Invitae), Labcorp).

NM_000390.4(CHM):c.49+3A>G

Gene: CHM (CHM Rab escort protein; minus strand). Cytogenetic location: Xq21.2.
Variant type: single nucleotide variant.
Coding change: c.49+3A>G on transcript NM_000390.4 (MANE Select); 3 bases into the intron after coding-DNA position 49, A replaced by G.
Molecular consequence: intron variant.
Genome position (GRCh38, 1-based): chrX:86,047,481, T>C on the plus strand (A>G on the coding strand, the complement: CHM is on the minus strand). VCF-style: chrX-86047481-T-C. GRCh37 (hg19) VCF-style: chrX-85302485-T-C.
Other names: c.49+3A>G (NM_000390.3, NM_001145414.4).
Identifiers: ClinVar variation 1069387 (VCV001069387.11), dbSNP rs2147818976, ClinGen allele CA2499226917.